The following is an entry in ClinVar:

ClinVar aggregate classification (germline): Benign/Likely benign. Review status: criteria provided, multiple submitters, no conflicts (2 of 4 stars). 9 submissions from 9 submitters: Benign (4); Likely benign (3). 2 of the submissions do not count toward it. Last evaluated 2026-08-03.

Conditions:
SNRNP200-related disorder. Also called: SNRNP200-related condition.
Retinitis pigmentosa (RP). Identifiers: Orphanet 791, MedGen C0035334, MeSH D012174, MONDO:0019200, OMIM 268000. Inheritance: Autosomal dominant, autosomal recessive and X linked inheritance.

Allele frequency attached by ClinVar (database versions not stated): 1000 Genomes Project 0.00160; 1000 Genomes Project 30x 0.00172; ExAC 0.00269; gnomAD exomes 0.00292; gnomAD 0.00354 and 0.00369; TOPMed 0.00367; ESP Exome Variant Server 0.00546.

Submissions (9):

PreventionGenetics, part of Exact Sciences
Classification: Benign for SNRNP200-related condition. Last evaluated: 2026-08-03. Review status: criteria provided, single submitter. Criteria: ACMG Guidelines, 2015. Collection method: clinical testing. Allele origin: germline.
Comment: This variant is classified as benign based on ACMG/AMP sequence variant interpretation guidelines (Richards et al. 2015 PMID: 25741868, with internal and published modifications).

Labcorp Genetics (formerly Invitae), Labcorp
Classification: Benign. Last evaluated: 2026-02-02. Review status: criteria provided, single submitter. Criteria: Invitae Variant Classification Sherloc (09022015). Collection method: clinical testing. Allele origin: germline.

CeGaT Center for Human Genetics Tuebingen
Classification: Benign. Last evaluated: 2025-10-01. Review status: criteria provided, single submitter. Criteria: CeGaT Center For Human Genetics Tuebingen Variant Classification Criteria Version 2. Collection method: clinical testing. Allele origin: germline. Affected: yes. Observed: 3 variant alleles.
Comment: SNRNP200: BS1, BS2

Blueprint Genetics
Classification: Likely benign. Last evaluated: 2024-11-26. Review status: criteria provided, single submitter. Criteria: ACMG Guidelines, 2015. Collection method: clinical testing. Allele origin: germline.

Illumina Laboratory Services, Illumina
Classification: Likely benign for Retinitis pigmentosa. Last evaluated: 2018-01-13. Review status: criteria provided, single submitter. Criteria: ICSL Variant Classification Criteria 13 December 2019. Collection method: clinical testing. Allele origin: germline.
Comment: This variant was observed in the ICSL laboratory as part of a predisposition screen in an ostensibly healthy population. It had not been previously curated by ICSL or reported in the Human Gene Mutation Database (HGMD: prior to June 1st, 2018), and was therefore a candidate for classification through an automated scoring system. Utilizing variant allele frequency, disease prevalence and penetrance estimates, and inheritance mode, an automated score was calculated to assess if this variant is too frequent to cause the disease. Based on the score and internal cut-off values, a variant classified as likely benign is not then subjected to further curation. The score for this variant resulted in a classification of likely benign for this disease.

Eurofins Ntd Llc (ga)
Classification: Benign. Last evaluated: 2015-01-05. Review status: criteria provided, single submitter. Criteria: EGL Classification Definitions 2015. Collection method: clinical testing. Allele origin: germline. Observed: 1 variant allele, 1 heterozygote.

Breakthrough Genomics
Classification: Likely benign. Review status: criteria provided, single submitter. Criteria: ACMG Guidelines, 2015. Collection method: not provided. Allele origin: germline. Inheritance: Unknown mechanism. Affected: yes.

Clinical Genetics DNA and cytogenetics Diagnostics Lab, Erasmus MC, Erasmus Medical Center
Classification: Likely benign. Review status: no assertion criteria provided. Collection method: clinical testing. Allele origin: germline. Affected: yes. Study: VKGL Data-share Consensus. Not counted in ClinVar's aggregate classification.

Clinical Genetics, Academic Medical Center
Classification: Benign. Review status: no assertion criteria provided. Collection method: clinical testing. Allele origin: germline. Affected: yes. Study: VKGL Data-share Consensus. Not counted in ClinVar's aggregate classification.

NM_014014.5(SNRNP200):c.1159A>G (p.Met387Val)

Gene: SNRNP200 (small nuclear ribonucleoprotein U5 subunit 200; minus strand). Cytogenetic location: 2q11.2.
Variant type: single nucleotide variant.
Coding change: c.1159A>G on transcript NM_014014.5 (MANE Select); coding-DNA position 1159, A replaced by G.
Protein change: p.Met387Val; replaces methionine 387 with valine.
Molecular consequence: missense variant.
Genome position (GRCh38, 1-based): chr2:96,297,681, T>C on the plus strand (A>G on the coding strand, the complement: SNRNP200 is on the minus strand). VCF-style: chr2-96297681-T-C. GRCh37 (hg19) VCF-style: chr2-96963419-T-C.
Other names: short protein forms M387V.
Identifiers: ClinVar variation 193702 (VCV000193702.46), dbSNP rs142729495, ClinGen allele CA200739.